The following is an entry in ClinVar:

ClinVar aggregate classification (germline): Pathogenic (1 of 4 stars; one submission).

Conditions:
Glycogen storage disease, type II (IOPD). Also called: Pompe Disease; Glucosidase acid-1,4-alpha deficiency; GLYCOGENOSIS, GENERALIZED, CARDIAC FORM; GSD II; POMPE DISEASE, INFANTILE-ONSET; GLYCOGEN STORAGE DISEASE II, INFANTILE-ONSET. Identifiers: Orphanet 365, MedGen C0017921, MONDO:0009290, OMIM 232300.

Submission:

Labcorp Genetics (formerly Invitae), Labcorp
Classification: Pathogenic for Glycogen storage disease, type II. Last evaluated: 2018-12-28. Review status: criteria provided, single submitter. Criteria: Invitae Variant Classification Sherloc (09022015). Collection method: clinical testing. Allele origin: germline.
Comment: This sequence change replaces serine with proline at codon 529 of the GAA protein (p.Ser529Pro). The serine residue is highly conserved and there is a moderate physicochemical difference between serine and proline. This variant is not present in population databases (ExAC no frequency). In that individual, this variant was also shown to likely be de novo (Invitae). Manual review of the sequencing data indicated these two variants are on opposite chromosomes (in trans), which suggests the c.1585T>C substitution may contribute to disease. Algorithms developed to predict the effect of missense changes on protein structure and function are either unavailable or do not agree on the potential impact of this missense change (SIFT: "Tolerated"; PolyPhen-2: "Possibly Damaging"; Align-GVGD: "Class C0"). This variant disrupts the p.Ser529 amino acid residue in GAA. Other variant(s) that disrupt this residue have been observed in individuals with GAA-related conditions (PMID: 8834250, 19862843, 21471980, 11053688), suggesting that it is a clinically significant residue. As a result, variants that disrupt this residue are likely to be causative of disease. For these reasons, this variant has been classified as Pathogenic.

Literature cited by the submitters: PubMed 8834250; PubMed 11053688; PubMed 19862843; PubMed 21471980.

NM_000152.5(GAA):c.1585T>C (p.Ser529Pro)

Gene: GAA (alpha glucosidase; plus strand). Cytogenetic location: 17q25.3.
Variant type: single nucleotide variant.
Coding change: c.1585T>C on transcript NM_000152.5 (MANE Select); coding-DNA position 1585, T replaced by C.
Protein change: p.Ser529Pro; replaces serine 529 with proline.
Molecular consequence: missense variant.
Genome position (GRCh38, 1-based): chr17:80,110,974, T>C. VCF-style: chr17-80110974-T-C. GRCh37 (hg19) VCF-style: chr17-78084773-T-C.
Other names: c.1585T>C (LRG_673t1); c.1585T>C, p.Ser529Pro (NM_001079803.3, NM_001079804.3); short protein forms S529P.
Identifiers: ClinVar variation 645572 (VCV000645572.1), dbSNP rs1598582021, ClinGen allele CA401367254.
Genomic context (GRCh38, chr17:80,110,974, plus strand): 5'-CACCTACCAGCAGCGCTTCTCTTGCAGGACATGAACGAGCCTTCCAACTTCATCAGGGGC[T>C]CTGAGGACGGCTGCCCCAACAATGAGCTGGAGAACCCACCCTACGTGCCTGGTCAGCTCG-3'
Protein context (NP_000143.2, residues 519-539): MNEPSNFIRG[Ser529Pro]EDGCPNNELE